The following is an entry in ClinVar:

NM_145239.3(PRRT2):c.1001T>A (p.Ile334Asn)

Genes: MVP-DT (MVP divergent transcript; minus strand), PRRT2 (proline rich transmembrane protein 2; plus strand). Cytogenetic location: 16p11.2.
Variant type: single nucleotide variant.
Coding change: c.1001T>A on transcript NM_145239.3 (MANE Select); coding-DNA position 1001, T replaced by A.
Protein change: p.Ile334Asn; replaces isoleucine 334 with asparagine.
Molecular consequence: missense variant. On other transcripts: 3 prime UTR variant (1).
Genome position (GRCh38, 1-based): chr16:29,814,454, T>A. VCF-style: chr16-29814454-T-A. GRCh37 (hg19) VCF-style: chr16-29825775-T-A.
Other names: c.1001T>A, p.Ile334Asn (NM_001256442.2); c.*500T>A (NM_001256443.2); short protein forms I334N.
Identifiers: ClinVar variation 2500700 (VCV002500700.2), dbSNP rs2543339445, ClinGen allele CA395480837.

ClinVar aggregate classification (germline): Likely pathogenic (1 of 4 stars; one submission).

Conditions:
Seizures, benign familial infantile, 2 (BFIS2). Also called: CONVULSIONS, BENIGN FAMILIAL INFANTILE, 2. Identifiers: Orphanet 306, MedGen C1853995, MONDO:0011593, OMIM 605751.

Submission:

Victorian Clinical Genetics Services, Murdoch Childrens Research Institute
Classification: Likely pathogenic for Seizures, benign familial infantile, 2. Last evaluated: 2020-10-19. Review status: criteria provided, single submitter. Criteria: ACMG Guidelines, 2015. Collection method: clinical testing. Allele origin: germline. Inheritance: Autosomal dominant inheritance. Affected: yes.
Comment: Based on the classification scheme VCGS_Germline_v1.1.1, this variant is classified as Likely Pathogenic. Following criteria are met: 0102 - Loss-of-function is a known mechanism of disease for this gene. (N) 0107 - This gene is known to be associated with autosomal dominant disease. (N) 0200 - Variant is predicted to result in a missense amino acid change from Isoleucine to Asparagine. (N) 0251 - Variant is heterozygous. (N) 0301 - Variant is absent from gnomAD. (P) 0309 - An alternative amino acid change (Ile334Val) at the same position has been observed in gnomADv3 (2 Het, 0 Hom). The alternative change to Valine has a substantially lower grantham score (GS 29) than the change to Asparagine (GS 149) (N) 0501 - Missense variant consistently predicted to be damaging by multiple in-silico tools or highly conserved with a major amino acid change. (P) 0602 - Variant is located in a hotspot region or cluster of pathogenic variants. It is part of a transmembrane domain (UniProt) in the C-Terminal portion of the protein which is thought to be critical for correct protein function (PMID 31124310) (P) 0705 - No comparable variants have previous evidence for pathogenicity. (N) 0807 - Variant has not previously been reported in a clinical context. (P) Legend: (P) - Pathogenic, (N) - Neutral, (B) - Benign

Literature cited by the submitters: PubMed 31124310.